The following is an entry in ClinVar:

NM_000138.5(FBN1):c.6616+5A>C

Gene: FBN1 (fibrillin 1; minus strand). Cytogenetic location: 15q21.1.
Variant type: single nucleotide variant.
Coding change: c.6616+5A>C on transcript NM_000138.5 (MANE Select); 5 bases into the intron after coding-DNA position 6616, A replaced by C.
Molecular consequence: intron variant.
Genome position (GRCh38, 1-based): chr15:48,434,589, T>G on the plus strand (A>C on the coding strand, the complement: FBN1 is on the minus strand). VCF-style: chr15-48434589-T-G. GRCh37 (hg19) VCF-style: chr15-48726786-T-G.
Other names: c.6616+5A>C (NM_001406716.1).
Identifiers: ClinVar variation 4883080 (VCV004883080.2).

ClinVar aggregate classification (germline): Uncertain significance (1 of 4 stars; one submission).

Submission:

Dasa
Classification: Uncertain significance. Last evaluated: 2025-07-07. Review status: criteria provided, single submitter. Criteria: DASA Assertion Criteria. Collection method: clinical testing. Allele origin: germline.
Comment: NM_000138.5(FBN1):c.6616+5A>C is a splice-region variant. This variant is absent from population databases. Computational prediction algorithms are consistent with a benign effect. The currently available literature and clinical evidence are not sufficient to establish a definitive association between this variant and the reported condition. Therefore, this variant is classified as a variant of uncertain significance.